The following is an entry in ClinVar:

NM_058179.4(PSAT1):c.473A>G (p.His158Arg)

Gene: PSAT1 (phosphoserine aminotransferase 1; plus strand). Cytogenetic location: 9q21.2.
Variant type: single nucleotide variant.
Coding change: c.473A>G on transcript NM_058179.4 (MANE Select); coding-DNA position 473, A replaced by G.
Protein change: p.His158Arg; replaces histidine 158 with arginine.
Molecular consequence: missense variant.
Genome position (GRCh38, 1-based): chr9:78,306,389, A>G. VCF-style: chr9-78306389-A-G. GRCh37 (hg19) VCF-style: chr9-80921305-A-G.
Other names: c.473A>G, p.His158Arg (NM_021154.5); short protein forms H158R.
Identifiers: ClinVar variation 1409224 (VCV001409224.9), dbSNP rs2118643515, ClinGen allele CA373873209.
Genomic context (GRCh38, chr9:78,306,389, plus strand): 5'-GCACCTGGAACCTCAACCCAGATGCCTCCTACGTGTATTATTGCGCAAATGAGACGGTGC[A>G]TGGTGTGGAGTTTGACTTTATACCCGATGTCAAGGGAGCAGTACTGGTTTGTGACATGTC-3'
Protein context (NP_478059.1, residues 148-168): YVYYCANETV[His158Arg]GVEFDFIPDV

ClinVar aggregate classification (germline): Conflicting classifications of pathogenicity. Review status: criteria provided, conflicting classifications (1 of 4 stars). 2 submissions from 2 submitters: Pathogenic (1); Uncertain significance (1). Last evaluated 2026-03-23.

Conditions:
Neu-Laxova syndrome 2. Identifiers: Orphanet 2671, Orphanet 583602, MedGen C4015019, MONDO:0014466, OMIM 616038.
PSAT deficiency. Identifiers: Orphanet 284417, MedGen C1970253, MONDO:0012596, OMIM 610992.

Allele frequency attached by ClinVar (database versions not stated): gnomAD exomes below 0.00001.

Submissions (2):

Stanford Starfish Project, Stanford University
Classification: Pathogenic for PSAT deficiency. Last evaluated: 2026-03-23. Review status: criteria provided, single submitter. Criteria: ACMG Guidelines, 2015. Collection method: provider interpretation. Allele origin: germline. Inheritance: Autosomal recessive inheritance. Affected: yes. Observed: 1 variant allele, 1 homozygote.
Comment: This variant is predicted to result in the substitution of histidine by arginine at amino acid 158 (p.His158Arg). This variant is rare in large population databases with an allele frequency of 8.474e-7 in European populations. Algorithms developed to predict the effect of sequence changes on RNA splicing suggest that this variant may create or strengthen a splice site. See Observation 1 for details on clinical features.

Labcorp Genetics (formerly Invitae), Labcorp
Classification: Uncertain significance for Neu-Laxova syndrome 2. Last evaluated: 2021-07-14. Review status: criteria provided, single submitter. Criteria: Invitae Variant Classification Sherloc (09022015). Collection method: clinical testing. Allele origin: germline.
Comment: This variant has been observed in individual(s) with PSAT1-related conditions (Invitae). In summary, the available evidence is currently insufficient to determine the role of this variant in disease. Therefore, it has been classified as a Variant of Uncertain Significance. Algorithms developed to predict the effect of sequence changes on RNA splicing suggest that this variant may create or strengthen a splice site. Algorithms developed to predict the effect of missense changes on protein structure and function are either unavailable or do not agree on the potential impact of this missense change (SIFT: "Deleterious"; PolyPhen-2: "Probably Damaging"; Align-GVGD: "Class C0"). This variant is not present in population databases (ExAC no frequency). This sequence change replaces histidine with arginine at codon 158 of the PSAT1 protein (p.His158Arg). The histidine residue is highly conserved and there is a small physicochemical difference between histidine and arginine.